The following is an entry in ClinVar:

ClinVar aggregate classification (germline): Uncertain significance (1 of 4 stars; one submission).

Conditions:
Charcot-Marie-Tooth disease dominant intermediate B (CMTDIB). Also called: CHARCOT-MARIE-TOOTH NEUROPATHY, DOMINANT INTERMEDIATE B; Charcot-Marie-Tooth disease dominant intermediate 1; CMT DI1; Charcot-Marie-Tooth disease dominant intermediate I. Identifiers: Orphanet 100044, Orphanet 228179, MedGen C1847902, MONDO:0011674, OMIM 606482.

Submission:

Labcorp Genetics (formerly Invitae), Labcorp
Classification: Uncertain significance for Charcot-Marie-Tooth disease dominant intermediate B. Last evaluated: 2019-05-08. Review status: criteria provided, single submitter. Criteria: Invitae Variant Classification Sherloc (09022015). Collection method: clinical testing. Allele origin: germline.
Comment: This variant is a gross duplication of the genomic region encompassing exons 16-17 of the DNM2 gene. While the exact position of the duplicated exons cannot be determined from this data, the duplicated copy of this region is likely in tandem and in-frame, therefore preserving the integrity of the reading frame. This variant has not been reported in the literature in individuals with DNM2-related disease. In summary, the available evidence is currently insufficient to determine the role of this variant in disease. Therefore, it has been classified as a Variant of Uncertain Significance.

NC_000019.10:g.(?_10819960)_(10823919_?)dup

Gene: DNM2 (dynamin 2; plus strand). Cytogenetic location: 19p13.2.
Variant type: Duplication.
Identifiers: ClinVar variation 830539 (VCV000830539.7).